The following is an entry in ClinVar:

NM_004304.5(ALK):c.4796C>A (p.Pro1599His)

Gene: ALK (ALK receptor tyrosine kinase; minus strand). Cytogenetic location: 2p23.2.
Variant type: single nucleotide variant.
Coding change: c.4796C>A on transcript NM_004304.5 (MANE Select); coding-DNA position 4796, C replaced by A.
Protein change: p.Pro1599His; replaces proline 1599 with histidine.
Molecular consequence: missense variant.
Genome position (GRCh38, 1-based): chr2:29,193,291, G>T on the plus strand (C>A on the coding strand, the complement: ALK is on the minus strand). VCF-style: chr2-29193291-G-T. GRCh37 (hg19) VCF-style: chr2-29416157-G-T.
Other names: c.1592C>A, p.Pro531His (NM_001353765.2); short protein forms P1599H, P531H.
Identifiers: ClinVar variation 133477 (VCV000133477.25), dbSNP rs1881423, ClinGen allele CA156647.

ClinVar aggregate classification (germline): Conflicting classifications of pathogenicity. Review status: criteria provided, conflicting classifications (1 of 4 stars). 9 submissions from 9 submitters: Uncertain significance (2); Benign (1); Likely benign (3). 3 of the submissions do not count toward it. Last evaluated 2026-05-01.

Conditions:
ALK-related disorder. Also called: ALK-related condition.
Hereditary cancer-predisposing syndrome. Also called: Tumor predisposition; Hereditary neoplastic syndrome; Neoplastic Syndromes, Hereditary; Hereditary Cancer Syndrome. Identifiers: Orphanet 140162, MedGen C0027672, MeSH D009386, MONDO:0015356.
Neuroblastoma, susceptibility to, 3. Also called: ALK-Related Neuroblastic Tumor Susceptibility. Identifiers: Orphanet 635, MedGen C2751681, MONDO:0013083, OMIM 613014.

Allele frequency attached by ClinVar (database versions not stated): gnomAD exomes 0.00007 and 0.00020; ExAC 0.00021; 1000 Genomes Project 0.00040; 1000 Genomes Project 30x 0.00047; ESP Exome Variant Server 0.00054; gnomAD 0.00080 and 0.00091; TOPMed 0.00084.
gnomAD v4.1: 231 of 1,614,176 alleles (0.014%); highest among the groups gnomAD compares: African/African-American, 0.27%; no homozygotes.

Submissions (9):

CeGaT Center for Human Genetics Tuebingen
Classification: Likely benign. Last evaluated: 2026-05-01. Review status: criteria provided, single submitter. Criteria: CeGaT Center For Human Genetics Tuebingen Variant Classification Criteria Version 2. Collection method: clinical testing. Allele origin: germline. Affected: yes. Observed: 1 variant allele.
Comment: ALK: BP4, BS1

Labcorp Genetics (formerly Invitae), Labcorp
Classification: Likely benign for Neuroblastoma, susceptibility to, 3. Last evaluated: 2026-01-28. Review status: criteria provided, single submitter. Criteria: Invitae Variant Classification Sherloc (09022015). Collection method: clinical testing. Allele origin: germline.

Ambry Genetics
Classification: Benign for Hereditary cancer-predisposing syndrome. Last evaluated: 2024-06-26. Review status: criteria provided, single submitter. Criteria: Ambry Variant Classification Scheme 2023. Collection method: clinical testing. Allele origin: germline.

GeneDx
Classification: Uncertain significance. Last evaluated: 2022-05-10. Review status: criteria provided, single submitter. Criteria: GeneDx Variant Classification Process June 2021. Collection method: clinical testing. Allele origin: germline. Affected: yes.
Comment: In silico analysis supports that this missense variant has a deleterious effect on protein structure/function; Observed in individuals with advanced cancer, type not specified (Mandelker 2017); This variant is associated with the following publications: (PMID: 24728327, 31888289, 28873162)

Sema4
Classification: Likely benign for Hereditary cancer-predisposing syndrome. Last evaluated: 2021-10-24. Review status: criteria provided, single submitter. Criteria: Sema4 Curation Guidelines. Collection method: curation. Allele origin: germline.

Baylor Genetics
Classification: Uncertain significance for Neuroblastoma, susceptibility to, 3. Last evaluated: 2019-07-31. Review status: criteria provided, single submitter. Criteria: ACMG Guidelines, 2015. Collection method: clinical testing. Allele origin: paternal. Affected: yes. Study: CSER-TexasKidsCanSeq.
Comment: This variant was determined to be of uncertain significance according to ACMG Guidelines, 2015 [PMID:25741868].

PreventionGenetics, part of Exact Sciences
Classification: Likely benign for ALK-related condition. Last evaluated: 2019-03-28. Review status: no assertion criteria provided. Collection method: clinical testing. Allele origin: germline. Not counted in ClinVar's aggregate classification.
Comment: This variant is classified as likely benign based on ACMG/AMP sequence variant interpretation guidelines (Richards et al. 2015 PMID: 25741868, with internal and published modifications).

ITMI
No classification provided. Condition: AllHighlyPenetrant. Last evaluated: 2013-09-19. Review status: no classification provided. Collection method: reference population. Allele origin: germline. Not counted in ClinVar's aggregate classification.
Comment: Please see associated publication for description of ethnicities

Department of Pathology and Laboratory Medicine, Sinai Health System
Classification: Uncertain significance. Review status: no assertion criteria provided. Collection method: clinical testing. Allele origin: unknown. Affected: yes. Study: The Canadian Open Genetics Repository (COGR). Not counted in ClinVar's aggregate classification.
Comment: The ALK p.Pro1599His variant was identified in 2 of 9032 proband chromosomes (frequency: 0.00022) from individuals or families with cancer, and was present in 1 of 1598 control chromosomes (frequency: 0.00063) from healthy individuals (Bodian_2014_PMID:24728327; Mandelker_2017_PMID: 28873162; Yehia_2018_PMID: 29684080). The variant was also identified in dbSNP (ID: rs1881423) and ClinVar (classified as likely benign by Invitae in 2017). The variant was not identified in the COGR, Cosmic, MutDB or LOVD 3.0 databases. The variant was identified in control databases in 75 of 282614 chromosomes at a frequency of 0.000265 (Genome Aggregation Database Feb 27, 2017). The variant was observed in the following populations: African in 64 of 24968 chromosomes (freq: 0.002563), Latino in 10 of 35436 chromosomes (freq: 0.000282) and Other in 1 of 7214 chromosomes (freq: 0.000139), it was not observed in the Ashkenazi Jewish, East Asian, European (Finnish), European (non-Finnish), and South Asian populations. The p.Pro1599 residue is not conserved in mammals and computational analyses (PolyPhen-2, SIFT, AlignGVGD, BLOSUM, MutationTaster) provide inconsistent predictions regarding the impact to the protein; this information is not very predictive of pathogenicity. In summary, based on the above information the clinical significance of this variant cannot be determined with certainty at this time. This variant is classified as a variant of uncertain significance.

Literature cited by the submitters: PubMed 24728327 (cited by ITMI).